The following is an entry in ClinVar:

NM_005359.6(SMAD4):c.1258_1259dup (p.Ala421fs)

Gene: SMAD4 (SMAD family member 4; plus strand). Cytogenetic location: 18q21.2.
Variant type: Duplication.
Coding change: c.1258_1259dup on transcript NM_005359.6 (MANE Select); coding-DNA positions 1258 to 1259, 2 bases duplicated (CG; older notation c.1258_1259dupCG).
Protein change: p.Ala421fs; shifts the reading frame from alanine 421.
Molecular consequence: frameshift variant.
Genome position (GRCh38, 1-based): chr18:51,067,137-51,067,138, CG duplicated; duplicating any 2 consecutive bases within chr18:51,067,136-51,067,138 gives the same sequence; the c. name uses the placement nearest the transcript's 3' end. VCF-style (leftmost placement, unchanged base first): chr18-51067135-G-GGC. GRCh37 (hg19) VCF-style: chr18-48593505-G-GGC.
Other names: c.1259_1260insCG (NM_005359.5); short protein forms A421fs.
Identifiers: ClinVar variation 182873 (VCV000182873.10), dbSNP rs730881956, ClinGen allele CA299973.

ClinVar aggregate classification (germline): Pathogenic. Review status: criteria provided, multiple submitters, no conflicts (2 of 4 stars). 3 submissions from 3 submitters: Pathogenic (3). Last evaluated 2026-08-14.

Conditions:
Juvenile polyposis syndrome (JPS). Identifiers: Orphanet 2929, MedGen C0345893, MONDO:0017380, OMIM 174900.
Familial thoracic aortic aneurysm and aortic dissection (TAAD). Also called: Thoracic aortic aneurysms and dissections. Identifiers: Orphanet 91387, MedGen C4707243, MONDO:0019625.
Hereditary cancer-predisposing syndrome. Also called: Hereditary Cancer Syndrome; Tumor predisposition; Neoplastic Syndromes, Hereditary; Hereditary neoplastic syndrome. Identifiers: Orphanet 140162, MedGen C0027672, MeSH D009386, MONDO:0015356.

Submissions (3):

Ambry Genetics
Classification: Pathogenic for Hereditary cancer-predisposing syndrome; Familial thoracic aortic aneurysm and aortic dissection. Last evaluated: 2026-08-14. Review status: criteria provided, single submitter. Criteria: Ambry Variant Classification Scheme 2023. Collection method: clinical testing. Allele origin: germline.
Comment: The c.1258_1259dupCG pathogenic mutation, located in coding exon 9 of the SMAD4 gene, results from a duplication of CG at nucleotide position 1258, causing a translational frameshift with a predicted alternate stop codon (p.A421Vfs*16). This variant is considered to be rare based on population cohorts in the Genome Aggregation Database (gnomAD). This alteration is expected to result in loss of function by premature protein truncation or nonsense-mediated mRNA decay. As such, this alteration is interpreted as a disease-causing mutation.

Labcorp Genetics (formerly Invitae), Labcorp
Classification: Pathogenic for Juvenile polyposis syndrome. Last evaluated: 2022-08-09. Review status: criteria provided, single submitter. Criteria: Invitae Variant Classification Sherloc (09022015). Collection method: clinical testing. Allele origin: germline.
Comment: For these reasons, this variant has been classified as Pathogenic. ClinVar contains an entry for this variant (Variation ID: 182873). This variant has not been reported in the literature in individuals affected with SMAD4-related conditions. This variant is not present in population databases (gnomAD no frequency). This sequence change creates a premature translational stop signal (p.Ala421Valfs*16) in the SMAD4 gene. It is expected to result in an absent or disrupted protein product. Loss-of-function variants in SMAD4 are known to be pathogenic (PMID: 16152648, 16436638, 22810475).

GeneDx
Classification: Pathogenic for Neoplastic Syndromes, Hereditary. Last evaluated: 2014-08-21. Review status: criteria provided, single submitter. Criteria: GeneDx Variant Classification (06012015). Collection method: clinical testing. Allele origin: germline. Affected: yes.
Comment: The c.1259_1260insCG (aka c.1258_1259dupCG) mutation in the SMAD4 gene causes a frameshift starting with codon Alanine 421, changes this amino acid to a Valine residue and creates a premature Stop codon at position 16 of the new reading frame, denoted p.Ala421ValfsX16. This variant is predicted to cause loss of normal protein function either through protein truncation or nonsense-mediated mRNA decay. The normal sequence with the bases that are duplicated in braces is: TGGG{CG}TGCA. The variant is found in SMAD4 panel(s).

Literature cited by the submitters: PubMed 16152648 (cited by Labcorp Genetics (formerly Invitae), Labcorp); PubMed 16436638 (cited by Labcorp Genetics (formerly Invitae), Labcorp); PubMed 22810475 (cited by Labcorp Genetics (formerly Invitae), Labcorp).